The following is an entry in ClinVar:

NM_006496.4(GNAI3):c.790A>G (p.Ile264Val)

Gene: GNAI3 (G protein subunit alpha i3; plus strand). Cytogenetic location: 1p13.3.
Variant type: single nucleotide variant.
Coding change: c.790A>G on transcript NM_006496.4 (MANE Select); coding-DNA position 790, A replaced by G.
Protein change: p.Ile264Val; replaces isoleucine 264 with valine.
Molecular consequence: missense variant.
Genome position (GRCh38, 1-based): chr1:109,586,798, A>G. VCF-style: chr1-109586798-A-G. GRCh37 (hg19) VCF-style: chr1-110129420-A-G.
Other names: c.790A>G (NM_006496.2); short protein forms I264V.
Identifiers: ClinVar variation 2635960 (VCV002635960.3), dbSNP rs61758986, ClinGen allele CA992145.

ClinVar aggregate classification (germline): Uncertain significance. Review status: criteria provided, single submitter (1 of 4 stars). 2 submissions from 2 submitters: Uncertain significance (1). 1 of the submissions does not count toward it. Last evaluated 2025-02-22.

Conditions:
Inborn genetic diseases. Identifiers: MedGen C0950123, MeSH D030342.
GNAI3-related disorder. Also called: GNAI3-related condition.

Allele frequency attached by ClinVar (database versions not stated): gnomAD 0.00010; TOPMed 0.00011; ExAC 0.00017; gnomAD exomes 0.00026; ESP Exome Variant Server 0.00038.
gnomAD v4.1: 377 of 1,595,832 alleles (0.024%); highest among the groups gnomAD compares: Non-Finnish European, 0.031%; 1 homozygote.

Submissions (2):

Ambry Genetics
Classification: Uncertain significance for Inborn genetic diseases. Last evaluated: 2025-02-22. Review status: criteria provided, single submitter. Criteria: Ambry Variant Classification Scheme 2023. Collection method: clinical testing. Allele origin: germline.

PreventionGenetics, part of Exact Sciences
Classification: Uncertain significance for GNAI3-related condition. Last evaluated: 2024-03-13. Review status: no assertion criteria provided. Collection method: clinical testing. Allele origin: germline. Not counted in ClinVar's aggregate classification.
Comment: The GNAI3 c.790A>G variant is predicted to result in the amino acid substitution p.Ile264Val. To our knowledge, this variant has not been reported in the literature. This variant is reported in 0.020% of alleles in individuals of European (Non-Finnish) descent in gnomAD. At this time, the clinical significance of this variant is uncertain due to the absence of conclusive functional and genetic evidence.